The following is an entry in ClinVar:

ClinVar aggregate classification (germline): Likely benign (1 of 4 stars; one submission).

gnomAD v4.1: 2 of 1,096,915 alleles (0.00018%); highest among the groups gnomAD compares: Non-Finnish European, 0.00024%; no homozygotes.

Submission:

CeGaT Center for Human Genetics Tuebingen
Classification: Likely benign. Last evaluated: 2026-02-01. Review status: criteria provided, single submitter. Criteria: CeGaT Center For Human Genetics Tuebingen Variant Classification Criteria Version 2. Collection method: clinical testing. Allele origin: germline. Affected: yes. Observed: 1 variant allele.
Comment: GPC3: BP4, BP7

NM_004484.4(GPC3):c.1033-4189G>T

Gene: GPC3 (glypican 3; minus strand). Cytogenetic location: Xq26.2.
Variant type: single nucleotide variant.
Coding change: c.1033-4189G>T on transcript NM_004484.4 (MANE Select); 4189 bases into the intron before coding-DNA position 1033, G replaced by T.
Molecular consequence: intron variant. On other transcripts: synonymous variant (1).
Genome position (GRCh38, 1-based): chrX:133,704,217, C>A on the plus strand (G>T on the coding strand, the complement: GPC3 is on the minus strand). VCF-style: chrX-133704217-C-A. GRCh37 (hg19) VCF-style: chrX-132838245-C-A.
Other names: c.1089G>T, p.Gly363= (NM_001164617.2); c.871-4189G>T (NM_001164619.2); c.985-4189G>T (NM_001164618.2).
Identifiers: ClinVar variation 4823893 (VCV004823893.4).